The following is an entry in ClinVar:

NM_007315.4(STAT1):c.46G>C (p.Glu16Gln)

Gene: STAT1 (signal transducer and activator of transcription 1; minus strand). Cytogenetic location: 2q32.2.
Variant type: single nucleotide variant.
Coding change: c.46G>C on transcript NM_007315.4 (MANE Select); coding-DNA position 46, G replaced by C.
Protein change: p.Glu16Gln; replaces glutamic acid 16 with glutamine.
Molecular consequence: missense variant.
Genome position (GRCh38, 1-based): chr2:191,009,958, C>G on the plus strand (G>C on the coding strand, the complement: STAT1 is on the minus strand). VCF-style: chr2-191009958-C-G. GRCh37 (hg19) VCF-style: chr2-191874684-C-G.
Other names: c.46G>C, p.Glu16Gln (NM_001384880.1, NM_001384882.1, NM_001384883.1 and 8 more transcripts); c.52G>C, p.Glu18Gln (NM_001384881.1, NM_001384884.1); short protein forms E16Q, E18Q.
Identifiers: ClinVar variation 3756807 (VCV003756807.2).
Genomic context (GRCh38, chr2:191,009,958, plus strand): 5'-GTGCCAGGTACTGTCTGATTTCCATGGGAAAACTGTCATCATAAAGCTGGTGAACCTGCT[C>G]CAGGAATTTTGAGTCAAGCTGCTGAAGTTCGTACCACTGAGACATCCTATAGGGAAAAAG-3'
Protein context (NP_009330.1, residues 6-26): ELQQLDSKFL[Glu16Gln]QVHQLYDDSF

ClinVar aggregate classification (germline): Uncertain significance (1 of 4 stars; one submission).

Conditions:
Immunodeficiency 31B. Also called: IMMUNODEFICIENCY 31B, MYCOBACTERIAL AND VIRAL INFECTIONS, AUTOSOMAL RECESSIVE; STAT1 DEFICIENCY, AUTOSOMAL RECESSIVE. Identifiers: Orphanet 391311, MedGen C3151088, MONDO:0013427, OMIM 613796.
Autoimmune enteropathy and endocrinopathy - susceptibility to chronic infections syndrome. Also called: Immunodeficiency 31C, autosomal dominant; Immunodeficiency 31C. Identifiers: Orphanet 391487, MedGen C3279990, MONDO:0013599, OMIM 614162.
Mendelian susceptibility to mycobacterial diseases due to partial STAT1 deficiency. Also called: IMMUNODEFICIENCY 31A, MYCOBACTERIOSIS, AUTOSOMAL DOMINANT; STAT1 DEFICIENCY, AUTOSOMAL DOMINANT; Immunodeficiency 31a. Identifiers: Orphanet 319595, MedGen C4013950, MONDO:0013956, OMIM 614892.

Submission:

Labcorp Genetics (formerly Invitae), Labcorp
Classification: Uncertain significance for Mendelian susceptibility to mycobacterial diseases due to partial STAT1 deficiency; Immunodeficiency 31B; Autoimmune enteropathy and endocrinopathy - susceptibility to chronic infections syndrome. Last evaluated: 2024-06-13. Review status: criteria provided, single submitter. Criteria: Invitae Variant Classification Sherloc (09022015). Collection method: clinical testing. Allele origin: germline.
Comment: This sequence change replaces glutamic acid, which is acidic and polar, with glutamine, which is neutral and polar, at codon 16 of the STAT1 protein (p.Glu16Gln). This variant is not present in population databases (gnomAD no frequency). This variant has not been reported in the literature in individuals affected with STAT1-related conditions. An algorithm developed to predict the effect of missense changes on protein structure and function (PolyPhen-2) suggests that this variant is likely to be disruptive. In summary, the available evidence is currently insufficient to determine the role of this variant in disease. Therefore, it has been classified as a Variant of Uncertain Significance.